The following is an entry in ClinVar:

NM_000051.4(ATM):c.7342G>C (p.Asp2448His)

Genes: ATM (ATM serine/threonine kinase; plus strand), C11orf65 (chromosome 11 open reading frame 65; minus strand). Cytogenetic location: 11q22.3.
Variant type: single nucleotide variant.
Coding change: c.7342G>C on transcript NM_000051.4 (MANE Select); coding-DNA position 7342, G replaced by C.
Protein change: p.Asp2448His; replaces aspartic acid 2448 with histidine.
Molecular consequence: missense variant. On other transcripts: intron variant (2).
Genome position (GRCh38, 1-based): chr11:108,330,248, G>C. VCF-style: chr11-108330248-G-C. GRCh37 (hg19) VCF-style: chr11-108200975-G-C.
Other names: c.7342G>C, p.Asp2448His (NM_001351834.2); c.641-21177C>G (NM_001330368.2); c.*38+4972C>G (NM_001351110.2); short protein forms D2448H.
Identifiers: ClinVar variation 1014359 (VCV001014359.9), dbSNP rs1591160022, ClinGen allele CA382559924.

ClinVar aggregate classification (germline): Uncertain significance. Review status: criteria provided, multiple submitters, no conflicts (2 of 4 stars). 2 submissions from 2 submitters: Uncertain significance (2). Last evaluated 2025-11-20.

Conditions:
Hereditary cancer-predisposing syndrome. Also called: Neoplastic Syndromes, Hereditary; Tumor predisposition; Hereditary Cancer Syndrome; Hereditary neoplastic syndrome. Identifiers: Orphanet 140162, MedGen C0027672, MeSH D009386, MONDO:0015356.
Ataxia-telangiectasia syndrome (AT). Also called: Ataxia telangiectasia (A-T); ATAXIA-TELANGIECTASIA, COMPLEMENTATION GROUP A; ATAXIA-TELANGIECTASIA, FRESNO VARIANT; Ataxia-telangiectasia; Ataxia-telangiectasia, complementation group E; LOUIS-BAR SYNDROME. Identifiers: Orphanet 100, MedGen C0004135, MONDO:0008840, OMIM 208900.

Submissions (2):

Ambry Genetics
Classification: Uncertain significance for Hereditary cancer-predisposing syndrome. Last evaluated: 2025-11-20. Review status: criteria provided, single submitter. Criteria: Ambry Variant Classification Scheme 2023. Collection method: clinical testing. Allele origin: germline.
Comment: The p.D2448H variant (also known as c.7342G>C), located in coding exon 49 of the ATM gene, results from a G to C substitution at nucleotide position 7342. The aspartic acid at codon 2448 is replaced by histidine, an amino acid with similar properties. In an assay testing ATM function, this variant showed a functionally abnormal result (Lee KS et al. Cell, 2025 Sep;188:5081-5099.e27).This amino acid position is highly conserved in available vertebrate species. In addition, this alteration is predicted to be deleterious by in silico analysis. Based on the available evidence, the clinical significance of this variant remains unclear.

Labcorp Genetics (formerly Invitae), Labcorp
Classification: Uncertain significance for Ataxia-telangiectasia syndrome. Last evaluated: 2025-04-22. Review status: criteria provided, single submitter. Criteria: Invitae Variant Classification Sherloc (09022015). Collection method: clinical testing. Allele origin: germline.
Comment: This sequence change replaces aspartic acid, which is acidic and polar, with histidine, which is basic and polar, at codon 2448 of the ATM protein (p.Asp2448His). This variant is not present in population databases (gnomAD no frequency). This variant has not been reported in the literature in individuals affected with ATM-related conditions. ClinVar contains an entry for this variant (Variation ID: 1014359). Invitae Evidence Modeling of protein sequence and biophysical properties (such as structural, functional, and spatial information, amino acid conservation, physicochemical variation, residue mobility, and thermodynamic stability) indicates that this missense variant is expected to disrupt ATM protein function with a positive predictive value of 95%. In summary, the available evidence is currently insufficient to determine the role of this variant in disease. Therefore, it has been classified as a Variant of Uncertain Significance.

Literature cited by the submitters: PubMed 40580951 (cited by Ambry Genetics).